The following is an entry in ClinVar:

ClinVar aggregate classification (germline): Uncertain significance (1 of 4 stars; one submission).

gnomAD v4.1: 1 of 1,613,950 alleles (0.000062%); highest among the groups gnomAD compares: Non-Finnish European, 0.000085%; no homozygotes.

Submission:

Greenwood Genetic Center Diagnostic Laboratories, Greenwood Genetic Center
Classification: Uncertain significance. Last evaluated: 2023-01-23. Review status: criteria provided, single submitter. Criteria: ACMG Guidelines, 2015. Collection method: clinical testing. Allele origin: germline. Affected: yes.
Comment: PP2, PP3

NM_018489.3(ASH1L):c.4343G>A (p.Arg1448Gln)

Gene: ASH1L (ASH1 like histone lysine methyltransferase; minus strand). Cytogenetic location: 1q22.
Variant type: single nucleotide variant.
Coding change: c.4343G>A on transcript NM_018489.3 (MANE Select); coding-DNA position 4343, G replaced by A.
Protein change: p.Arg1448Gln; replaces arginine 1448 with glutamine.
Molecular consequence: missense variant.
Genome position (GRCh38, 1-based): chr1:155,478,527, C>T on the plus strand (G>A on the coding strand, the complement: ASH1L is on the minus strand). VCF-style: chr1-155478527-C-T. GRCh37 (hg19) VCF-style: chr1-155448318-C-T.
Other names: c.4343G>A, p.Arg1448Gln (NM_001366177.2); short protein forms R1448Q.
Identifiers: ClinVar variation 2505235 (VCV002505235.1), dbSNP rs144936221, ClinGen allele CA30912756.